The following is an entry in ClinVar:

NM_000458.4(HNF1B):c.1232C>T (p.Pro411Leu)

Gene: HNF1B (HNF1 homeobox B; minus strand). Cytogenetic location: 17q12.
Variant type: single nucleotide variant.
Coding change: c.1232C>T on transcript NM_000458.4 (MANE Select); coding-DNA position 1232, C replaced by T.
Protein change: p.Pro411Leu; replaces proline 411 with leucine.
Molecular consequence: missense variant.
Genome position (GRCh38, 1-based): chr17:37,705,024, G>A on the plus strand (C>T on the coding strand, the complement: HNF1B is on the minus strand). VCF-style: chr17-37705024-G-A. GRCh37 (hg19) VCF-style: chr17-36065031-G-A.
Other names: c.1154C>T, p.Pro385Leu (NM_001165923.4, NM_001304286.2); c.1232C>T, p.Pro411Leu (NM_001411100.1); short protein forms P385L, P411L.
Identifiers: ClinVar variation 3897419 (VCV003897419.1).
Genomic context (GRCh38, chr17:37,705,024, plus strand): 5'-TGAGATTGCTGGGGATTATGGTGGGAGAGGCTGTGGATATTCGTCAAGGTGCTGACTGGG[G>A]GCAAACCTCCTCCTGAGACTGAGATCTGATGGAGAGAAAAAAACAAGAGAAACATGGGTG-3'
Protein context (NP_000449.1, residues 401-421): KMISVSGGGL[Pro411Leu]PVSTLTNIHS

ClinVar aggregate classification (germline): Uncertain significance (1 of 4 stars; one submission).

Submission:

GeneDx
Classification: Uncertain significance. Last evaluated: 2024-10-31. Review status: criteria provided, single submitter. Criteria: GeneDx Variant Classification Process June 2021. Collection method: clinical testing. Allele origin: germline. Affected: yes.
Comment: Not observed at significant frequency in large population cohorts (gnomAD); In silico analysis supports that this missense variant has a deleterious effect on protein structure/function; Has not been previously published as pathogenic or benign to our knowledge